The following is an entry in ClinVar:

ClinVar aggregate classification (germline): Uncertain significance (1 of 4 stars; one submission).

Conditions:
Developmental and epileptic encephalopathy, 12 (DEE12). Identifiers: MedGen C3150988, MONDO:0013389, OMIM 613722.

Allele frequency attached by ClinVar (database versions not stated): gnomAD exomes below 0.00001.

Submission:

Labcorp Genetics (formerly Invitae), Labcorp
Classification: Uncertain significance for Developmental and epileptic encephalopathy, 12. Last evaluated: 2019-03-28. Review status: criteria provided, single submitter. Criteria: Invitae Variant Classification Sherloc (09022015). Collection method: clinical testing. Allele origin: germline.
Comment: In summary, the available evidence is currently insufficient to determine the role of this variant in disease. Therefore, it has been classified as a Variant of Uncertain Significance. This sequence change replaces tyrosine with cysteine at codon 211 of the PNKP protein (p.Tyr211Cys). The tyrosine residue is highly conserved and there is a large physicochemical difference between tyrosine and cysteine. This variant is not present in population databases (ExAC no frequency). This variant has not been reported in the literature in individuals with PNKP-related disease. Algorithms developed to predict the effect of missense changes on protein structure and function (SIFT, PolyPhen-2, Align-GVGD) all suggest that this variant is likely to be disruptive, but these predictions have not been confirmed by published functional studies and their clinical significance is uncertain.

NM_007254.4(PNKP):c.632A>G (p.Tyr211Cys)

Gene: PNKP (polynucleotide kinase 3'-phosphatase; minus strand). Cytogenetic location: 19q13.33.
Variant type: single nucleotide variant.
Coding change: c.632A>G on transcript NM_007254.4 (MANE Select); coding-DNA position 632, A replaced by G.
Protein change: p.Tyr211Cys; replaces tyrosine 211 with cysteine.
Molecular consequence: missense variant.
Genome position (GRCh38, 1-based): chr19:49,864,183, T>C on the plus strand (A>G on the coding strand, the complement: PNKP is on the minus strand). VCF-style: chr19-49864183-T-C. GRCh37 (hg19) VCF-style: chr19-50367440-T-C.
Other names: short protein forms Y211C.
Identifiers: ClinVar variation 660633 (VCV000660633.11), dbSNP rs1600420551, ClinGen allele CA406886605.